The following is an entry in ClinVar:

NC_000006.11:g.(?_41126341)_(41130820_?)del

Gene: TREM2 (triggering receptor expressed on myeloid cells 2; minus strand). Cytogenetic location: 6p21.1.
Variant type: Deletion.
Identifiers: ClinVar variation 2426502 (VCV002426502.4).

ClinVar aggregate classification (germline): Pathogenic (1 of 4 stars; one submission).

Submission:

Labcorp Genetics (formerly Invitae), Labcorp
Classification: Pathogenic. Last evaluated: 2022-04-24. Review status: criteria provided, single submitter. Criteria: Invitae Variant Classification Sherloc (09022015). Collection method: clinical testing. Allele origin: germline.
Comment: A gross deletion of the genomic region encompassing the full coding sequence of the TREM2 gene has been identified. Loss-of-function variants in TREM2 are known to be pathogenic (PMID: 12080485, 12754369, 12883936, 12925681, 23318515, 23582655). The boundaries of this event are unknown as they extend beyond the assayed region for this gene and therefore may encompass additional genes. This variant has not been reported in the literature in individuals affected with TREM2-related conditions. For these reasons, this variant has been classified as Pathogenic.

Literature cited by the submitters: PubMed 12080485; PubMed 12754369; PubMed 12883936; PubMed 12925681; PubMed 23318515; PubMed 23582655.